The following is an entry in ClinVar:

ClinVar aggregate classification (germline): Benign. Review status: criteria provided, multiple submitters, no conflicts (2 of 4 stars). 3 submissions from 3 submitters: Benign (2). 1 of the submissions does not count toward it. Last evaluated 2019-12-31.

Conditions:
ALX4-related disorder. Also called: ALX4-related condition.
Parietal foramina 2 (PFM2). Identifiers: Orphanet 60015, MedGen C1865044, MONDO:0012309, OMIM 609597.

Allele frequency attached by ClinVar (database versions not stated): gnomAD 0.00018 and 0.00025; TOPMed 0.00034; ExAC 0.00062; gnomAD exomes 0.00077; 1000 Genomes Project 0.00120; 1000 Genomes Project 30x 0.00125.
gnomAD v4.1: 341 of 1,555,638 alleles (0.022%); highest among the groups gnomAD compares: East Asian, 0.7%; 1 homozygote.

Submissions (3):

Labcorp Genetics (formerly Invitae), Labcorp
Classification: Benign. Last evaluated: 2019-12-31. Review status: criteria provided, single submitter. Criteria: Invitae Variant Classification Sherloc (09022015). Collection method: clinical testing. Allele origin: germline.

Illumina Laboratory Services, Illumina
Classification: Benign for Parietal foramina 2. Last evaluated: 2018-01-13. Review status: criteria provided, single submitter. Criteria: ICSL Variant Classification Criteria 13 December 2019. Collection method: clinical testing. Allele origin: germline.
Comment: This variant was observed in the ICSL laboratory as part of a predisposition screen in an ostensibly healthy population. It had not been previously curated by ICSL or reported in the Human Gene Mutation Database (HGMD: prior to June 1st, 2018), and was therefore a candidate for classification through an automated scoring system. Utilizing variant allele frequency, disease prevalence and penetrance estimates, and inheritance mode, an automated score was calculated to assess if this variant is too frequent to cause the disease. Based on the score and internal cut-off values, a variant classified as benign is not then subjected to further curation. The score for this variant resulted in a classification of benign for this disease.

PreventionGenetics, part of Exact Sciences
Classification: Benign for ALX4-related condition. Last evaluated: 2019-10-17. Review status: no assertion criteria provided. Collection method: clinical testing. Allele origin: germline. Not counted in ClinVar's aggregate classification.
Comment: This variant is classified as benign based on ACMG/AMP sequence variant interpretation guidelines (Richards et al. 2015 PMID: 25741868, with internal and published modifications).

NM_021926.4(ALX4):c.226C>A (p.Pro76Thr)

Gene: ALX4 (ALX homeobox 4; minus strand). Cytogenetic location: 11p11.2.
Variant type: single nucleotide variant.
Coding change: c.226C>A on transcript NM_021926.4 (MANE Select); coding-DNA position 226, C replaced by A.
Protein change: p.Pro76Thr; replaces proline 76 with threonine.
Molecular consequence: missense variant.
Genome position (GRCh38, 1-based): chr11:44,309,837, G>T on the plus strand (C>A on the coding strand, the complement: ALX4 is on the minus strand). VCF-style: chr11-44309837-G-T. GRCh37 (hg19) VCF-style: chr11-44331387-G-T.
Other names: short protein forms P76T.
Identifiers: ClinVar variation 732792 (VCV000732792.10), dbSNP rs79200219, ClinGen allele CA5955788.